The following is an entry in ClinVar:

NM_032830.3(UTP4):c.761G>A (p.Gly254Asp)

Gene: UTP4 (UTP4 small subunit processome component). Cytogenetic location: 16q22.1.
Variant type: single nucleotide variant.
Coding change: c.761G>A on transcript NM_032830.3 (MANE Select); coding-DNA position 761, G replaced by A.
Protein change: p.Gly254Asp; replaces glycine 254 with aspartic acid.
Molecular consequence: missense variant.
Genome position (GRCh38, 1-based): chr16:69,150,559, G>A. VCF-style: chr16-69150559-G-A. GRCh37 (hg19) VCF-style: chr16-69184462-G-A.
Other names: c.512G>A, p.Gly171Asp (NM_001318391.2); short protein forms G171D, G254D.
Identifiers: ClinVar variation 3007767 (VCV003007767.3), dbSNP rs2544400532, ClinGen allele CA396498686.

ClinVar aggregate classification (germline): Uncertain significance (1 of 4 stars; one submission).

Allele frequency attached by ClinVar (database versions not stated): gnomAD exomes below 0.00001.
gnomAD v4.1: 1 of 1,614,196 alleles (0.000062%); highest among the groups gnomAD compares: Non-Finnish European, 0.000085%; no homozygotes.

Submission:

Labcorp Genetics (formerly Invitae), Labcorp
Classification: Uncertain significance. Last evaluated: 2023-10-03. Review status: criteria provided, single submitter. Criteria: Invitae Variant Classification Sherloc (09022015). Collection method: clinical testing. Allele origin: germline.
Comment: This sequence change replaces glycine, which is neutral and non-polar, with aspartic acid, which is acidic and polar, at codon 254 of the UTP4 protein (p.Gly254Asp). This variant is not present in population databases (gnomAD no frequency). This variant has not been reported in the literature in individuals affected with UTP4-related conditions. Advanced modeling of protein sequence and biophysical properties (such as structural, functional, and spatial information, amino acid conservation, physicochemical variation, residue mobility, and thermodynamic stability) performed at Invitae indicates that this missense variant is expected to disrupt UTP4 protein function. In summary, the available evidence is currently insufficient to determine the role of this variant in disease. Therefore, it has been classified as a Variant of Uncertain Significance.